The following is an entry in ClinVar:

NM_001326342.2(CELF2):c.1275del (p.Ala426fs)

Genes: CELF2-AS1 (CELF2 antisense RNA 1; minus strand), CELF2 (CUGBP Elav-like family member 2; plus strand). Cytogenetic location: 10p14.
Variant type: Deletion.
Coding change: c.1275del on transcript NM_001326342.2 (MANE Select); coding-DNA position 1275, one base deleted (T; older notation c.1275delT).
Protein change: p.Ala426fs; shifts the reading frame from alanine 426.
Molecular consequence: frameshift variant. On other transcripts: intron variant (1).
Genome position (GRCh38, 1-based): chr10:11,321,367, T deleted. VCF-style (leftmost placement, unchanged base first): chr10-11321366-CT-C. GRCh37 (hg19) VCF-style: chr10-11363329-CT-C.
Other names: c.1182del, p.Ala395fs (NM_001025076.2, NM_001326318.2, NM_001326320.2 and 6 more transcripts); c.1236del, p.Ala413fs (NM_001025077.3, NM_001326319.2, NM_001326332.2); c.1176del, p.Ala393fs (NM_001083591.1); c.1164del, p.Ala389fs (NM_001326317.2, NM_001326329.2, NM_001326344.2 and 2 more transcripts); c.1206del, p.Ala403fs (NM_001326321.2); c.1224del, p.Ala409fs (NM_001326323.2); c.1329del, p.Ala444fs (NM_001326325.2, NM_001326343.2); c.1272del, p.Ala425fs (NM_001326326.2); and 14 more; short protein forms A185fs, A191fs, A302fs, A308fs, A389fs, A393fs, A395fs, A401fs.
Identifiers: ClinVar variation 3392659 (VCV003392659.2).

ClinVar aggregate classification (germline): Likely pathogenic (1 of 4 stars; one submission).

Submission:

GeneDx
Classification: Likely pathogenic. Last evaluated: 2025-03-28. Review status: criteria provided, single submitter. Criteria: GeneDx Variant Classification Process June 2021. Collection method: clinical testing. Allele origin: germline.
Comment: Frameshift variant predicted to result in abnormal protein length as the last 96 amino acid(s) are replaced with 49 different amino acid(s), and other similar variants have been reported in HGMD; Not observed at significant frequency in large population cohorts (gnomAD); Has not been previously published as pathogenic or benign to our knowledge